The following is an entry in ClinVar:

NM_006612.6(KIF1C):c.1984G>A (p.Asp662Asn)

Genes: KIF1C (kinesin family member 1C; plus strand), LOC126862473 (CDK7 strongly-dependent group 2 enhancer GRCh37_chr17:4923264-4924463; plus strand). Cytogenetic location: 17p13.2.
Variant type: single nucleotide variant.
Coding change: c.1984G>A on transcript NM_006612.6 (MANE Select); coding-DNA position 1984, G replaced by A.
Protein change: p.Asp662Asn; replaces aspartic acid 662 with asparagine.
Molecular consequence: missense variant.
Genome position (GRCh38, 1-based): chr17:5,020,852, G>A. VCF-style: chr17-5020852-G-A. GRCh37 (hg19) VCF-style: chr17-4924147-G-A.
Other names: short protein forms D662N.
Identifiers: ClinVar variation 2079959 (VCV002079959.4), dbSNP rs866317638, ClinGen allele CA287184759.

ClinVar aggregate classification (germline): Uncertain significance (1 of 4 stars; one submission).

Conditions:
Spastic ataxia 2. Also called: Ataxia, spastic, 2, autosomal recessive. Identifiers: Orphanet 397946, MedGen C1969796, MONDO:0012651, OMIM 611302.

Allele frequency attached by ClinVar (database versions not stated): gnomAD 0.00001; gnomAD exomes below 0.00001; TOPMed 0.00002.
gnomAD v4.1: 7 of 1,586,784 alleles (0.00044%); highest among the groups gnomAD compares: Non-Finnish European, 0.0006%; no homozygotes.

Submission:

Labcorp Genetics (formerly Invitae), Labcorp
Classification: Uncertain significance for Spastic ataxia 2. Last evaluated: 2022-08-12. Review status: criteria provided, single submitter. Criteria: Invitae Variant Classification Sherloc (09022015). Collection method: clinical testing. Allele origin: germline.
Comment: This sequence change replaces aspartic acid, which is acidic and polar, with asparagine, which is neutral and polar, at codon 662 of the KIF1C protein (p.Asp662Asn). In summary, the available evidence is currently insufficient to determine the role of this variant in disease. Therefore, it has been classified as a Variant of Uncertain Significance. Algorithms developed to predict the effect of missense changes on protein structure and function (SIFT, PolyPhen-2, Align-GVGD) all suggest that this variant is likely to be tolerated. This variant has not been reported in the literature in individuals affected with KIF1C-related conditions. This variant is present in population databases (no rsID available, gnomAD 0.007%).